The following is an entry in ClinVar:

NM_003151.4(STAT4):c.1585A>G (p.Ser529Gly)

Gene: STAT4 (signal transducer and activator of transcription 4; minus strand). Cytogenetic location: 2q32.2.
Variant type: single nucleotide variant.
Coding change: c.1585A>G on transcript NM_003151.4 (MANE Select); coding-DNA position 1585, A replaced by G.
Protein change: p.Ser529Gly; replaces serine 529 with glycine.
Molecular consequence: missense variant.
Genome position (GRCh38, 1-based): chr2:191,034,583, T>C on the plus strand (A>G on the coding strand, the complement: STAT4 is on the minus strand). VCF-style: chr2-191034583-T-C. GRCh37 (hg19) VCF-style: chr2-191899309-T-C.
Other names: c.1585A>G, p.Ser529Gly (NM_001243835.2); short protein forms S529G.
Identifiers: ClinVar variation 4769751 (VCV004769751.1).

ClinVar aggregate classification (germline): Uncertain significance (1 of 4 stars; one submission).

gnomAD v4.1: 3 of 1,613,388 alleles (0.00019%); highest among the groups gnomAD compares: East Asian, 0.0022%; no homozygotes.

Submission:

Labcorp Genetics (formerly Invitae), Labcorp
Classification: Uncertain significance. Last evaluated: 2026-02-02. Review status: criteria provided, single submitter. Criteria: Invitae Variant Classification Sherloc (09022015). Collection method: clinical testing. Allele origin: germline.
Comment: This sequence change replaces serine, which is neutral and polar, with glycine, which is neutral and non-polar, at codon 529 of the STAT4 protein (p.Ser529Gly). This variant is present in population databases (no rsID available, gnomAD 0.006%). This variant has not been reported in the literature in individuals affected with STAT4-related conditions. Invitae Evidence Modeling of protein sequence and biophysical properties (such as structural, functional, and spatial information, amino acid conservation, physicochemical variation, residue mobility, and thermodynamic stability) indicates that this missense variant is not expected to disrupt STAT4 protein function with a negative predictive value of 80%. In summary, the available evidence is currently insufficient to determine the role of this variant in disease. Therefore, it has been classified as a Variant of Uncertain Significance.